The following is an entry in ClinVar:

NM_000297.4(PKD2):c.2670G>A (p.Glu890=)

Gene: PKD2 (polycystin 2, transient receptor potential cation channel; plus strand). Cytogenetic location: 4q22.1.
Variant type: single nucleotide variant.
Coding change: c.2670G>A on transcript NM_000297.4 (MANE Select); coding-DNA position 2670, G replaced by A.
Protein change: p.Glu890=; no amino-acid change (glutamic acid 890 retained).
Molecular consequence: synonymous variant. On other transcripts: non-coding transcript variant (1).
Genome position (GRCh38, 1-based): chr4:88,074,959, G>A. VCF-style: chr4-88074959-G-A. GRCh37 (hg19) VCF-style: chr4-88996111-G-A.
Other names: c.2670G>A (NM_000297.3).
Identifiers: ClinVar variation 1334699 (VCV001334699.5), dbSNP rs2110150904, ClinGen allele CA440268778.

ClinVar aggregate classification (germline): Uncertain significance. Review status: criteria provided, multiple submitters, no conflicts (2 of 4 stars). 2 submissions from 2 submitters: Uncertain significance (2). Last evaluated 2025-03-20.

Conditions:
Inborn genetic diseases. Identifiers: MedGen C0950123, MeSH D030342.

Submissions (2):

Ambry Genetics
Classification: Uncertain significance for Inborn genetic diseases. Last evaluated: 2025-03-20. Review status: criteria provided, single submitter. Criteria: Ambry Variant Classification Scheme 2023. Collection method: clinical testing. Allele origin: germline.
Comment: Occurs in the last base pair of the exon Based on insufficient or conflicting evidence, the clinical significance of this alteration remains unclear.

Greenwood Genetic Center Diagnostic Laboratories, Greenwood Genetic Center
Classification: Uncertain significance. Last evaluated: 2021-12-13. Review status: criteria provided, single submitter. Criteria: ACMG Guidelines, 2015. Collection method: clinical testing. Allele origin: germline. Affected: yes.
Comment: PM2